The following is an entry in ClinVar:

ClinVar aggregate classification (germline): Uncertain significance (1 of 4 stars; one submission).

Allele frequency attached by ClinVar (database versions not stated): gnomAD 0.00001; TOPMed 0.00002; gnomAD exomes 0.00003.
gnomAD v4.1: 43 of 1,558,130 alleles (0.0028%); highest among the groups gnomAD compares: Non-Finnish European, 0.0035%; no homozygotes.

Submission:

GeneDx
Classification: Uncertain significance. Last evaluated: 2022-10-20. Review status: criteria provided, single submitter. Criteria: GeneDx Variant Classification Process June 2021. Collection method: clinical testing. Allele origin: germline. Affected: yes.
Comment: In silico analysis supports that this variant does not alter splicing; Has not been previously published as pathogenic or benign to our knowledge

NM_000142.5(FGFR3):c.565C>T (p.Leu189=)

Gene: FGFR3 (fibroblast growth factor receptor 3; plus strand). Cytogenetic location: 4p16.3.
Variant type: single nucleotide variant.
Coding change: c.565C>T on transcript NM_000142.5 (MANE Select); coding-DNA position 565, C replaced by T.
Protein change: p.Leu189=; no amino-acid change (leucine 189 retained).
Molecular consequence: synonymous variant. On other transcripts: non-coding transcript variant (1).
Genome position (GRCh38, 1-based): chr4:1,801,486, C>T. VCF-style: chr4-1801486-C-T. GRCh37 (hg19) VCF-style: chr4-1803213-C-T.
Other names: c.565C>T, p.Leu189= (NM_001163213.2, NM_001354809.2, NM_001354810.2 and 1 more transcripts).
Identifiers: ClinVar variation 2499964 (VCV002499964.1), dbSNP rs933014054, ClinGen allele CA91249178.
Genomic context (GRCh38, chr4:1,801,486, plus strand): 5'-GCCAACACCGTCCGCTTCCGCTGCCCAGCCGCTGGCAACCCCACTCCCTCCATCTCCTGG[C>T]TGAAGAACGGCAGGGAGTTCCGCGGCGAGCACCGCATTGGAGGCATCAAGGTGGGCGCGG-3'
Protein context (NP_000133.1, residues 179-199): AGNPTPSISW[Leu189=]KNGREFRGEH